The following is an entry in ClinVar:

ClinVar aggregate classification (germline): Uncertain significance (1 of 4 stars; one submission).

Allele frequency attached by ClinVar (database versions not stated): gnomAD exomes below 0.00001; ExAC 0.00001; ESP Exome Variant Server 0.00008.

Submission:

ARUP Laboratories, Molecular Genetics and Genomics, ARUP Laboratories
Classification: Uncertain significance. Last evaluated: 2019-08-12. Review status: criteria provided, single submitter. Criteria: ARUP Molecular Germline Variant Investigation Process. Collection method: clinical testing. Allele origin: germline.
Comment: The TTN c.54283A>T; p.Ser18095Cys variant (rs371747177) is rare in the general population (<1% allele frequency in the Genome Aggregation Database) and has not been reported in the medical literature in association with dilated cardiomyopathy (DCM) or other TTN-related disease. The clinical relevance of rare missense variants in this gene, which are identified on average once per individual sequenced in affected populations (Herman 2012), is not well understood. Yet, evidence suggests that the vast majority of such missense variants do not contribute to the clinical outcome of DCM (Begay 2015). Thus, the clinical significance of the p.Ser18095Cys variant cannot be determined with certainty References: Begay RL et al. Role of Titin Missense Variants in Dilated Cardiomyopathy. J Am Heart Assoc. 2015 Nov 13;4(11). Herman DS et al. Truncations of titin causing dilated cardiomyopathy. N Engl J Med. 2012 Feb 16;366(7):619-28.

NM_001267550.2(TTN):c.54283A>T (p.Ser18095Cys)

Genes: TTN (titin; minus strand), TTN-AS1 (TTN antisense RNA 1; plus strand). Cytogenetic location: 2q31.2.
Variant type: single nucleotide variant.
Coding change: c.54283A>T on transcript NM_001267550.2 (MANE Select); coding-DNA position 54283, A replaced by T.
Protein change: p.Ser18095Cys; replaces serine 18095 with cysteine.
Molecular consequence: missense variant. On other transcripts: non-coding transcript variant (1).
Genome position (GRCh38, 1-based): chr2:178,604,806, T>A on the plus strand (A>T on the coding strand, the complement: TTN is on the minus strand). VCF-style: chr2-178604806-T-A. GRCh37 (hg19) VCF-style: chr2-179469533-T-A.
Other names: c.49360A>T, p.Ser16454Cys (NM_001256850.1); c.27088A>T, p.Ser9030Cys (NM_003319.4); c.46579A>T, p.Ser15527Cys (NM_133378.4); c.27463A>T, p.Ser9155Cys (NM_133432.3); c.27664A>T, p.Ser9222Cys (NM_133437.4); short protein forms S15527C, S16454C, S18095C, S9030C, S9155C, S9222C.
Identifiers: ClinVar variation 994000 (VCV000994000.8), dbSNP rs371747177, ClinGen allele CA1993657.